The following is an entry in ClinVar:

NM_015627.3(LDLRAP1):c.583del (p.Ala195fs)

Gene: LDLRAP1 (low density lipoprotein receptor adaptor protein 1; plus strand). Cytogenetic location: 1p36.11.
Variant type: Deletion.
Coding change: c.583del on transcript NM_015627.3 (MANE Select); coding-DNA position 583, one base deleted (G; older notation c.583delG).
Protein change: p.Ala195fs; shifts the reading frame from alanine 195.
Molecular consequence: frameshift variant.
Genome position (GRCh38, 1-based): chr1:25,563,120, G deleted; the last of 5 consecutive G bases (chr1:25,563,116-25,563,120); deleting any one gives the same sequence. VCF-style (leftmost placement, unchanged base first): chr1-25563115-TG-T. GRCh37 (hg19) VCF-style: chr1-25889606-TG-T.
Other names: short protein forms A195fs.
Identifiers: ClinVar variation 4815879 (VCV004815879.1).
Genomic context (GRCh38, chr1:25,563,115, plus strand): 5'-GCCTTGGTCCTGCAGAGAAAGAGAAGAGGGACAAAGCCAGCCAAGAGGGAGGGGACGTCC[TG>T]GGGGCCCGCCAAGACTGCACCCCCTCCTTGAAGAGCTGTGAGTCCTGACGGGGAAGGGGG-3'

ClinVar aggregate classification (germline): Likely pathogenic (1 of 4 stars; one submission).

Conditions:
Familial hypercholesterolemia. Also called: Familial hypercholesterolaemia. Identifiers: MedGen C0020445, MONDO:0005439.

Submission:

Natera, Inc.
Classification: Likely pathogenic for Familial hypercholesterolemia. Last evaluated: 2024-03-06. Review status: criteria provided, single submitter. Criteria: Natera Variant Classification Schema (03/2026). Collection method: clinical testing. Allele origin: germline.
Comment: The c.583delG variant in LDLRAP1 is a frameshift variant predicted to shift the reading frame beginning at codon 195 and leads to a stop codon 9 codons downstream. This variant is expected to result in nonsense mediated decay, truncation, or a dysfunctional protein product. This variant is rare in the general population with a frequency below the threshold expected for the associated phenotype(s). Given the available evidence, this variant is classified as Likely Pathogenic.